The following is an entry in ClinVar:

ClinVar aggregate classification (germline): Pathogenic (1 of 4 stars; one submission).

Submission:

Labcorp Genetics (formerly Invitae), Labcorp
Classification: Pathogenic. Last evaluated: 2025-05-27. Review status: criteria provided, single submitter. Criteria: Invitae Variant Classification Sherloc (09022015). Collection method: clinical testing. Allele origin: germline.
Comment: This sequence change creates a premature translational stop signal (p.Gln1329*) in the AHDC1 gene. It is expected to result in an absent or disrupted protein product. Loss-of-function variants in AHDC1 are known to be pathogenic (PMID: 24791903, 27148574). This variant is not present in population databases (gnomAD no frequency). This variant has not been reported in the literature in individuals affected with AHDC1-related conditions. ClinVar contains an entry for this variant (Variation ID: 2024607). For these reasons, this variant has been classified as Pathogenic.

Literature cited by the submitters: PubMed 24791903; PubMed 27148574.

NM_001371928.1(AHDC1):c.3985C>T (p.Gln1329Ter)

Gene: AHDC1 (AT-hook DNA binding motif containing 1; minus strand). Cytogenetic location: 1p36.11.
Variant type: single nucleotide variant.
Coding change: c.3985C>T on transcript NM_001371928.1 (MANE Select); coding-DNA position 3985, C replaced by T.
Protein change: p.Gln1329Ter; replaces glutamine 1329 with a stop codon.
Molecular consequence: nonsense.
Genome position (GRCh38, 1-based): chr1:27,548,131, G>A on the plus strand (C>T on the coding strand, the complement: AHDC1 is on the minus strand). VCF-style: chr1-27548131-G-A. GRCh37 (hg19) VCF-style: chr1-27874642-G-A.
Other names: c.3985C>T, p.Gln1329Ter (NM_001029882.3); c.-59C>T (NM_015699.1); short protein forms Q1329*.
Identifiers: ClinVar variation 2024607 (VCV002024607.4), dbSNP rs2521830541, ClinGen allele CA339224318.